The following is an entry in ClinVar:

NM_000077.5(CDKN2A):c.259C>G (p.Arg87Gly)

Gene: CDKN2A (cyclin dependent kinase inhibitor 2A; minus strand). Cytogenetic location: 9p21.3.
Variant type: single nucleotide variant.
Coding change: c.259C>G on transcript NM_000077.5; coding-DNA position 259, C replaced by G.
Protein change: p.Arg87Gly; replaces arginine 87 with glycine.
Molecular consequence: missense variant (on NM_000077.6). On other transcripts: 3 prime UTR variant (1).
Genome position (GRCh38, 1-based): chr9:21,971,100, G>C on the plus strand (C>G on the coding strand, the complement: CDKN2A is on the minus strand). VCF-style: chr9-21971100-G-C. GRCh37 (hg19) VCF-style: chr9-21971099-G-C.
Other names: c.259C>G, p.Arg87Gly (NM_000077.6, NM_001195132.2); c.106C>G, p.Arg36Gly (NM_001363763.2); c.302C>G, p.Pro101Arg (NM_058195.4); c.*182C>G (NM_058197.5); short protein forms R87G, P101R, R36G.
Identifiers: ClinVar variation 2735264 (VCV002735264.4), dbSNP rs749714198, ClinGen allele CA373086210.

ClinVar aggregate classification (germline): Conflicting classifications of pathogenicity. Review status: criteria provided, conflicting classifications (1 of 4 stars). 2 submissions from 2 submitters: Pathogenic (1); Uncertain significance (1). Last evaluated 2025-10-19.

Conditions:
Hereditary cancer-predisposing syndrome. Also called: Neoplastic Syndromes, Hereditary; Tumor predisposition; Hereditary neoplastic syndrome; Hereditary Cancer Syndrome. Identifiers: Orphanet 140162, MedGen C0027672, MeSH D009386, MONDO:0015356.
Familial melanoma. Also called: Hereditary melanoma; Hereditary cutaneous melanoma. Identifiers: Orphanet 618, MedGen C1512419, MONDO:0018961.

Submissions (2):

Labcorp Genetics (formerly Invitae), Labcorp
Classification: Pathogenic for Familial melanoma. Last evaluated: 2025-10-19. Review status: criteria provided, single submitter. Criteria: Invitae Variant Classification Sherloc (09022015). Collection method: clinical testing. Allele origin: germline.
Comment: The CDKN2A gene encodes two different proteins, p16INK4a and p14ARF, which are translated from alternative transcripts with different open reading frames. Both transcripts have been analyzed. We report either the variant with the higher classification or default to the CDKN2A (p16INK4a) variant. This report therefore includes the details for the CDKN2A (p16INK4a) variant. This sequence change replaces arginine, which is basic and polar, with glycine, which is neutral and non-polar, at codon 87 of the CDKN2A (p16INK4a) protein (p.Arg87Gly). This variant is not present in population databases (gnomAD no frequency). This missense change has been observed in individual(s) with familial cutaneous melanoma (PMID: 11815963). It has also been observed to segregate with disease in related individuals. This variant is also known as a "missense mutation of codon 87, which changes GGG to CGG" in CDKN2A (p16INK4a) transcript and c.302C>G (p.Pro101Arg) in CDKN2A (p14ARF) transcript. ClinVar contains an entry for this variant (Variation ID: 2735264). An algorithm developed to predict the effect of missense changes on protein structure and function (PolyPhen-2) suggests that this variant is likely to be disruptive. This variant disrupts the p.Arg87 amino acid residue in CDKN2A (p16INK4a). Other variant(s) that disrupt this residue have been determined to be pathogenic (PMID: 7987387, 8668202, 10491434, 12352668, 21462282). This suggests that this residue is clinically significant, and that variants that disrupt this residue are likely to be disease-causing. For these reasons, this variant has been classified as Pathogenic. While the evidence indicates that this variant confers risk of developing CDKN2A (p16INK4a)-associated conditions, its association with risk for developing CDKN2A (p14ARF)-associated conditions is still unclear.

Ambry Genetics
Classification: Uncertain significance for Hereditary cancer-predisposing syndrome. Last evaluated: 2025-06-11. Review status: criteria provided, single submitter. Criteria: Ambry Variant Classification Scheme 2023. Collection method: clinical testing. Allele origin: germline.
Comment: The p.R87G variant (also known as c.259C>G), located in coding exon 2 of the CDKN2A gene, results from a C to G substitution at nucleotide position 259. The arginine at codon 87 is replaced by glycine, an amino acid with dissimilar properties. Of note, this variant is also known as p.P101R (c.302C>G) in the p14(ARF) isoform. This variant was identified in individuals with features consistent with melanoma-pancreatic cancer syndrome and segregated with disease in at least one family (Lynch HT et al. Cancer, 2002 Jan;94:84-96; Middlebrooks CD et al. Cancer Res, 2019 Jun;79:2992-3000). Other variant(s) at the same codon, p.R87W (c.259C>T), have been identified in individual(s) with sporadic melanoma, multiple melanomas, and/or familial melanoma (Ambry internal data; Ruiz A et al. J Med Genet. 1999 Jun;36(6):490-3; Puig S et al. J Clin Oncol. 2005 May 1;23(13):3043-51; Helsing P et al. Genes Chromosomes Cancer. 2008 Feb;47(2):175-84; Cuellar F et al. Br J Dermatol. 2009 Jan;160(1):48-53; Kannengiesser C et al. Hum Mutat. 2009 Apr;30(4):564-74; Nikolaou V et al. Br J Dermatol. 2011 Dec;165(6):1219-22; Di Lorenzo S et al. Cancer Biol Ther. 2016;17(1):83-90; Li C et al. Melanoma Res 2020 06;30(3):247-251). This amino acid position is highly conserved in available vertebrate species. In addition, the in silico prediction for this alteration is inconclusive. Based on the available evidence, the clinical significance of this variant remains unclear.

Literature cited by the submitters: PubMed 11815963 (cited by Labcorp Genetics (formerly Invitae), Labcorp and Ambry Genetics); PubMed 7987387 (cited by Labcorp Genetics (formerly Invitae), Labcorp); PubMed 8668202 (cited by Labcorp Genetics (formerly Invitae), Labcorp); PubMed 10491434 (cited by Labcorp Genetics (formerly Invitae), Labcorp); PubMed 12352668 (cited by Labcorp Genetics (formerly Invitae), Labcorp); PubMed 21462282 (cited by Labcorp Genetics (formerly Invitae), Labcorp); PubMed 30967399 (cited by Ambry Genetics).